The following is an entry in ClinVar:

NM_198129.4(LAMA3):c.5279G>A (p.Gly1760Glu)

Gene: LAMA3 (laminin subunit alpha 3; plus strand). Cytogenetic location: 18q11.2.
Variant type: single nucleotide variant.
Coding change: c.5279G>A on transcript NM_198129.4 (MANE Select); coding-DNA position 5279, G replaced by A.
Protein change: p.Gly1760Glu; replaces glycine 1760 with glutamic acid.
Molecular consequence: missense variant.
Genome position (GRCh38, 1-based): chr18:23,884,829, G>A. VCF-style: chr18-23884829-G-A. GRCh37 (hg19) VCF-style: chr18-21464793-G-A.
Other names: c.452G>A, p.Gly151Glu (NM_000227.6, NM_001127718.4); c.5279G>A, p.Gly1760Glu (NM_001127717.4); c.452G>A (NM_000227.3); short protein forms G1760E, G151E.
Identifiers: ClinVar variation 2156595 (VCV002156595.5), dbSNP rs772456178, ClinGen allele CA8915962.

ClinVar aggregate classification (germline): Uncertain significance. Review status: criteria provided, multiple submitters, no conflicts (2 of 4 stars). 3 submissions from 3 submitters: Uncertain significance (3). Last evaluated 2025-09-08.

Conditions:
Laryngo-onycho-cutaneous syndrome (JEB2C). Also called: LOGIC SYNDROME; EPIDERMOLYSIS BULLOSA, JUNCTIONAL 2C, LARYNGOONYCHOCUTANEOUS; SHABBIR SYNDROME. Identifiers: Orphanet 2407, MedGen C1328355, MONDO:0009513, OMIM 245660.
Epidermolysis bullosa, junctional 2B, severe. Also called: EPIDERMOLYSIS BULLOSA, JUNCTIONAL 2B, GENERALIZED SEVERE; EPIDERMOLYSIS BULLOSA, JUNCTIONAL 2B, HERLITZ TYPE. Identifiers: MedGen C5676937, MONDO:0030747, OMIM 619784.
Junctional epidermolysis bullosa gravis of Herlitz. Also called: EPIDERMOLYSIS BULLOSA JUNCTIONALIS, HERLITZ TYPE; EPIDERMOLYSIS BULLOSA, JUNCTIONAL, HERLITZ-PEARSON TYPE; JEB-HERLITZ TYPE; Epidermolysis Bullosa Letalis; EPIDERMOLYSIS BULLOSA, JUNCTIONAL 1B, SEVERE; Herlitz-type junctional epidermolysis bullosa. Identifiers: Orphanet 79404, MedGen C0079683, MONDO:0009182, OMIM 226700.
Epidermolysis bullosa, junctional 2A, intermediate. Also called: EPIDERMOLYSIS BULLOSA, JUNCTIONAL 2A, GENERALIZED INTERMEDIATE; EPIDERMOLYSIS BULLOSA, JUNCTIONAL 2A, NON-HERLITZ TYPE. Identifiers: MedGen C5676936, MONDO:0030746, OMIM 619783.
Inborn genetic diseases. Identifiers: MedGen C0950123, MeSH D030342.

Allele frequency attached by ClinVar (database versions not stated): TOPMed 0.00001; ExAC 0.00002; gnomAD exomes 0.00002.
gnomAD v4.1: 26 of 1,613,424 alleles (0.0016%); highest among the groups gnomAD compares: Middle Eastern, 0.017%; no homozygotes.

Submissions (3):

Labcorp Genetics (formerly Invitae), Labcorp
Classification: Uncertain significance. Last evaluated: 2025-09-08. Review status: criteria provided, single submitter. Criteria: Invitae Variant Classification Sherloc (09022015). Collection method: clinical testing. Allele origin: germline.
Comment: This sequence change replaces glycine, which is neutral and non-polar, with glutamic acid, which is acidic and polar, at codon 151 of the LAMA3 protein (p.Gly151Glu). This variant is present in population databases (rs772456178, gnomAD 0.003%). This variant has not been reported in the literature in individuals affected with LAMA3-related conditions. ClinVar contains an entry for this variant (Variation ID: 2156595). Invitae Evidence Modeling of protein sequence and biophysical properties (such as structural, functional, and spatial information, amino acid conservation, physicochemical variation, residue mobility, and thermodynamic stability) indicates that this missense variant is expected to disrupt LAMA3 protein function with a positive predictive value of 80%. In summary, the available evidence is currently insufficient to determine the role of this variant in disease. Therefore, it has been classified as a Variant of Uncertain Significance.

Ambry Genetics
Classification: Uncertain significance for Inborn genetic diseases. Last evaluated: 2025-08-11. Review status: criteria provided, single submitter. Criteria: Ambry Variant Classification Scheme 2023. Collection method: clinical testing. Allele origin: germline.

Department of Pathology and Laboratory Medicine, Sinai Health System
Classification: Uncertain significance for Junctional epidermolysis bullosa gravis of Herlitz; Laryngo-onycho-cutaneous syndrome; Epidermolysis bullosa, junctional 2A, intermediate; Epidermolysis bullosa, junctional 2B, severe. Last evaluated: 2020-05-01. Review status: criteria provided, single submitter. Criteria: ACMG Guidelines, 2015. Collection method: research. Allele origin: germline.